The following is an entry in ClinVar:

ClinVar aggregate classification (germline): Pathogenic (1 of 4 stars; one submission).

Conditions:
Low phospholipid associated cholelithiasis (GBD1). Also called: Gallstone cholecystitis; Gallbladder disease 1. Identifiers: Orphanet 69663, MedGen C2609268, MONDO:0010939, OMIM 600803.

Submission:

Institute of Human Genetics, University of Leipzig Medical Center
Classification: Pathogenic for Low phospholipid associated cholelithiasis. Last evaluated: 2025-03-04. Review status: criteria provided, single submitter. Criteria: ACMG Guidelines, 2015. Collection method: clinical testing. Allele origin: unknown. Inheritance: Autosomal dominant inheritance. Affected: yes.
Comment: Criteria applied: PVS1,PM2_SUP,PP4

NM_000443.4(ABCB4):c.1939G>T (p.Glu647Ter)

Gene: ABCB4 (ATP binding cassette subfamily B member 4; minus strand). Cytogenetic location: 7q21.12.
Variant type: single nucleotide variant.
Coding change: c.1939G>T on transcript NM_000443.4 (MANE Select); coding-DNA position 1939, G replaced by T.
Protein change: p.Glu647Ter; replaces glutamic acid 647 with a stop codon.
Molecular consequence: nonsense.
Genome position (GRCh38, 1-based): chr7:87,426,875, C>A on the plus strand (G>T on the coding strand, the complement: ABCB4 is on the minus strand). VCF-style: chr7-87426875-C-A. GRCh37 (hg19) VCF-style: chr7-87056191-C-A.
Other names: c.1939G>T, p.Glu647Ter (NM_018849.3, NM_018850.3); short protein forms E647*.
Identifiers: ClinVar variation 3773726 (VCV003773726.2).